The following is an entry in ClinVar:

NM_005733.3(KIF20A):c.1800G>A (p.Met600Ile)

Gene: KIF20A (kinesin family member 20A; plus strand). Cytogenetic location: 5q31.2.
Variant type: single nucleotide variant.
Coding change: c.1800G>A on transcript NM_005733.3 (MANE Select); coding-DNA position 1800, G replaced by A.
Protein change: p.Met600Ile; replaces methionine 600 with isoleucine.
Molecular consequence: missense variant.
Genome position (GRCh38, 1-based): chr5:138,184,923, G>A. VCF-style: chr5-138184923-G-A. GRCh37 (hg19) VCF-style: chr5-137520612-G-A.
Other names: short protein forms M600I.
Identifiers: ClinVar variation 1368175 (VCV001368175.6), dbSNP rs201044865, ClinGen allele CA3426706.

ClinVar aggregate classification (germline): Uncertain significance (1 of 4 stars; one submission).

Submission:

Labcorp Genetics (formerly Invitae), Labcorp
Classification: Uncertain significance. Last evaluated: 2025-12-19. Review status: criteria provided, single submitter. Criteria: Invitae Variant Classification Sherloc (09022015). Collection method: clinical testing. Allele origin: germline.
Comment: This sequence change replaces methionine, which is neutral and non-polar, with isoleucine, which is neutral and non-polar, at codon 600 of the KIF20A protein (p.Met600Ile). This variant is present in population databases (rs201044865, gnomAD 0.01%). This variant has not been reported in the literature in individuals affected with KIF20A-related conditions. ClinVar contains an entry for this variant (Variation ID: 1368175). An algorithm developed to predict the effect of missense changes on protein structure and function (PolyPhen-2) suggests that this variant is likely to be tolerated. In summary, the available evidence is currently insufficient to determine the role of this variant in disease. Therefore, it has been classified as a Variant of Uncertain Significance.